The following is an entry in ClinVar:

NM_001081.4(CUBN):c.8354C>A (p.Ser2785Ter)

Gene: CUBN (cubilin; minus strand). Cytogenetic location: 10p13.
Variant type: single nucleotide variant.
Coding change: c.8354C>A on transcript NM_001081.4 (MANE Select); coding-DNA position 8354, C replaced by A.
Protein change: p.Ser2785Ter; replaces serine 2785 with a stop codon.
Molecular consequence: nonsense.
Genome position (GRCh38, 1-based): chr10:16,900,681, G>T on the plus strand (C>A on the coding strand, the complement: CUBN is on the minus strand). VCF-style: chr10-16900681-G-T. GRCh37 (hg19) VCF-style: chr10-16942680-G-T.
Other names: short protein forms S2785*.
Identifiers: ClinVar variation 3592208 (VCV003592208.2).

ClinVar aggregate classification (germline): Likely pathogenic. Review status: criteria provided, multiple submitters, no conflicts (2 of 4 stars). 2 submissions from 2 submitters: Likely pathogenic (2). Last evaluated 2026-09-02.

Conditions:
Proteinuria, chronic benign. Identifiers: MedGen C5394384, MONDO:0030042, OMIM 618884.
Imerslund-Grasbeck syndrome type 1 (IGS1). Also called: Megaloblastic anemia 1, Finnish type; Imerslund-Gräsbeck syndrome 1; MEGALOBLASTIC ANEMIA, 1. Identifiers: MedGen C4016819, MONDO:0100156, OMIM 261100.
CUBN-related disorder. Also called: CUBN-related condition.

gnomAD v4.1: 7 of 1,614,194 alleles (0.00043%); highest among the groups gnomAD compares: Non-Finnish European, 0.00042%; no homozygotes.

Submissions (2):

PreventionGenetics, part of Exact Sciences
Classification: Likely pathogenic for CUBN-related condition. Last evaluated: 2026-09-02. Review status: criteria provided, single submitter. Criteria: ACMG Guidelines, 2015. Collection method: clinical testing. Allele origin: germline.
Comment: The CUBN c.8354C>A variant is predicted to result in premature protein termination (p.Ser2785*). To our knowledge, this variant has not been reported in the literature or in a large population database (gnomAD), indicating this variant is rare. Nonsense variants in CUBN are expected to be pathogenic. This variant is interpreted as likely pathogenic.

Fulgent Genetics
Classification: Likely pathogenic for Imerslund-Grasbeck syndrome type 1; Proteinuria, chronic benign. Last evaluated: 2024-01-30. Review status: criteria provided, single submitter. Criteria: ACMG Guidelines, 2015. Collection method: clinical testing. Allele origin: germline.